The following is an entry in ClinVar:

ClinVar aggregate classification (germline): Uncertain significance (1 of 4 stars; one submission).

Conditions:
Multiple gastrointestinal atresias. Also called: Multiple intestinal atresia; FAMILIAL INTESTINAL POLYATRESIA SYNDROME. Identifiers: Orphanet 2300, MedGen C0220744, MONDO:0009465.

Allele frequency attached by ClinVar (database versions not stated): TOPMed below 0.00001; ExAC 0.00001; gnomAD exomes 0.00002; ESP Exome Variant Server 0.00008.
gnomAD v4.1: 26 of 1,605,194 alleles (0.0016%); highest among the groups gnomAD compares: Non-Finnish European, 0.0021%; no homozygotes.

Submission:

Labcorp Genetics (formerly Invitae), Labcorp
Classification: Uncertain significance for Multiple gastrointestinal atresias. Last evaluated: 2022-03-01. Review status: criteria provided, single submitter. Criteria: Invitae Variant Classification Sherloc (09022015). Collection method: clinical testing. Allele origin: germline.
Comment: This sequence change replaces glutamine, which is neutral and polar, with arginine, which is basic and polar, at codon 525 of the TTC7A protein (p.Gln525Arg). This variant is present in population databases (rs372188872, gnomAD 0.003%). This variant has not been reported in the literature in individuals affected with TTC7A-related conditions. Algorithms developed to predict the effect of missense changes on protein structure and function output the following: SIFT: "Tolerated"; PolyPhen-2: "Benign"; Align-GVGD: "Class C0". The arginine amino acid residue is found in multiple mammalian species, which suggests that this missense change does not adversely affect protein function. In summary, the available evidence is currently insufficient to determine the role of this variant in disease. Therefore, it has been classified as a Variant of Uncertain Significance.

NM_020458.4(TTC7A):c.1574A>G (p.Gln525Arg)

Gene: TTC7A (tetratricopeptide repeat domain 7A; plus strand). Cytogenetic location: 2p21.
Variant type: single nucleotide variant.
Coding change: c.1574A>G on transcript NM_020458.4 (MANE Select); coding-DNA position 1574, A replaced by G.
Protein change: p.Gln525Arg; replaces glutamine 525 with arginine.
Molecular consequence: missense variant.
Genome position (GRCh38, 1-based): chr2:47,024,292, A>G. VCF-style: chr2-47024292-A-G. GRCh37 (hg19) VCF-style: chr2-47251431-A-G.
Other names: c.1574A>G, p.Gln525Arg (NM_001288951.2); c.1472A>G, p.Gln491Arg (NM_001288953.2); c.512A>G, p.Gln171Arg (NM_001288955.2); short protein forms Q491R, Q525R, Q171R.
Identifiers: ClinVar variation 1927052 (VCV001927052.2), dbSNP rs372188872, ClinGen allele CA1647754.